The following is an entry in ClinVar:

NM_182931.3(KMT2E):c.4526A>G (p.Asn1509Ser)

Gene: KMT2E (lysine methyltransferase 2E (inactive); plus strand). Cytogenetic location: 7q22.3.
Variant type: single nucleotide variant.
Coding change: c.4526A>G on transcript NM_182931.3 (MANE Select); coding-DNA position 4526, A replaced by G.
Protein change: p.Asn1509Ser; replaces asparagine 1509 with serine.
Molecular consequence: missense variant.
Genome position (GRCh38, 1-based): chr7:105,112,282, A>G. VCF-style: chr7-105112282-A-G. GRCh37 (hg19) VCF-style: chr7-104752729-A-G.
Other names: c.4400A>G, p.Asn1467Ser (NM_001410908.1); c.4526A>G, p.Asn1509Ser (NM_018682.4); c.4526A>G (NM_182931.2); short protein forms N1467S, N1509S.
Identifiers: ClinVar variation 2870741 (VCV002870741.9), dbSNP rs550780791, ClinGen allele CA4424768.

ClinVar aggregate classification (germline): Conflicting classifications of pathogenicity. Review status: criteria provided, conflicting classifications (1 of 4 stars). 3 submissions from 3 submitters: Uncertain significance (1); Likely benign (2). Last evaluated 2025-04-01.

Conditions:
Inborn genetic diseases. Identifiers: MedGen C0950123, MeSH D030342.

Allele frequency attached by ClinVar (database versions not stated): gnomAD exomes 0.00001; ExAC 0.00002; gnomAD 0.00003; 1000 Genomes Project 30x 0.00016; 1000 Genomes Project 0.00020.
gnomAD v4.1: 16 of 1,614,110 alleles (0.00099%); highest among the groups gnomAD compares: African/African-American, 0.0013%; no homozygotes.

Submissions (3):

CeGaT Center for Human Genetics Tuebingen
Classification: Likely benign. Last evaluated: 2025-04-01. Review status: criteria provided, single submitter. Criteria: CeGaT Center For Human Genetics Tuebingen Variant Classification Criteria Version 2. Collection method: clinical testing. Allele origin: germline. Affected: yes. Observed: 1 variant allele.
Comment: KMT2E: BP4

Ambry Genetics
Classification: Likely benign for Inborn genetic diseases. Last evaluated: 2025-02-20. Review status: criteria provided, single submitter. Criteria: Ambry Variant Classification Scheme 2023. Collection method: clinical testing. Allele origin: germline.

Labcorp Genetics (formerly Invitae), Labcorp
Classification: Uncertain significance. Last evaluated: 2023-05-24. Review status: criteria provided, single submitter. Criteria: Invitae Variant Classification Sherloc (09022015). Collection method: clinical testing. Allele origin: germline.
Comment: Advanced modeling of protein sequence and biophysical properties (such as structural, functional, and spatial information, amino acid conservation, physicochemical variation, residue mobility, and thermodynamic stability) performed at Invitae indicates that this missense variant is not expected to disrupt KMT2E protein function. In summary, the available evidence is currently insufficient to determine the role of this variant in disease. Therefore, it has been classified as a Variant of Uncertain Significance. This variant has not been reported in the literature in individuals affected with KMT2E-related conditions. This sequence change replaces asparagine, which is neutral and polar, with serine, which is neutral and polar, at codon 1509 of the KMT2E protein (p.Asn1509Ser). This variant is present in population databases (rs550780791, gnomAD 0.004%).